The following is an entry in ClinVar:

NM_003978.5(PSTPIP1):c.426G>A (p.Lys142=)

Gene: PSTPIP1 (proline-serine-threonine phosphatase interacting protein 1; plus strand). Cytogenetic location: 15q24.3.
Variant type: single nucleotide variant.
Coding change: c.426G>A on transcript NM_003978.5 (MANE Select); coding-DNA position 426, G replaced by A.
Protein change: p.Lys142=; no amino-acid change (lysine 142 retained).
Molecular consequence: synonymous variant. On other transcripts: non-coding transcript variant (1).
Genome position (GRCh38, 1-based): chr15:77,028,562, G>A. VCF-style: chr15-77028562-G-A. GRCh37 (hg19) VCF-style: chr15-77320903-G-A.
Other names: c.426G>A, p.Lys142= (NM_001321135.2); c.399G>A, p.Lys133= (NM_001321136.2); c.621G>A, p.Lys207= (NM_001321137.1).
Identifiers: ClinVar variation 1083650 (VCV001083650.14), dbSNP rs760205701, ClinGen allele CA7675821.

ClinVar aggregate classification (germline): Likely benign. Review status: criteria provided, multiple submitters, no conflicts (2 of 4 stars). 3 submissions from 3 submitters: Likely benign (3). Last evaluated 2026-03-01.

Conditions:
Pyogenic arthritis-pyoderma gangrenosum-acne syndrome (PAPA). Also called: FAMILIAL RECURRENT ARTHRITIS; PAPA SYNDROME. Identifiers: Orphanet 69126, MedGen C1858361, MONDO:0011462, OMIM 604416.

Allele frequency attached by ClinVar (database versions not stated): gnomAD 0.00001; gnomAD exomes 0.00001 and 0.00003; TOPMed 0.00001; ExAC 0.00006.
gnomAD v4.1: 14 of 1,601,018 alleles (0.00087%); highest among the groups gnomAD compares: Middle Eastern, 0.033%; no homozygotes.

Submissions (3):

CeGaT Center for Human Genetics Tuebingen
Classification: Likely benign. Last evaluated: 2026-03-01. Review status: criteria provided, single submitter. Criteria: CeGaT Center For Human Genetics Tuebingen Variant Classification Criteria Version 2. Collection method: clinical testing. Allele origin: germline. Affected: yes. Observed: 1 variant allele.
Comment: PSTPIP1: BP4, BP7

Labcorp Genetics (formerly Invitae), Labcorp
Classification: Likely benign for Pyogenic arthritis-pyoderma gangrenosum-acne syndrome. Last evaluated: 2025-04-22. Review status: criteria provided, single submitter. Criteria: Invitae Variant Classification Sherloc (09022015). Collection method: clinical testing. Allele origin: germline.

Blueprint Genetics
Classification: Likely benign. Last evaluated: 2023-05-16. Review status: criteria provided, single submitter. Criteria: ACMG Guidelines, 2015. Collection method: clinical testing. Allele origin: germline.